The following is an entry in ClinVar:

ClinVar aggregate classification (germline): Uncertain significance (1 of 4 stars; one submission).

Allele frequency attached by ClinVar (database versions not stated): ExAC 0.00001.

Submission:

Labcorp Genetics (formerly Invitae), Labcorp
Classification: Uncertain significance. Last evaluated: 2022-02-18. Review status: criteria provided, single submitter. Criteria: Invitae Variant Classification Sherloc (09022015). Collection method: clinical testing. Allele origin: germline.
Comment: In summary, the available evidence is currently insufficient to determine the role of this variant in disease. Therefore, it has been classified as a Variant of Uncertain Significance. Algorithms developed to predict the effect of sequence changes on RNA splicing suggest that this variant may create or strengthen a splice site. Algorithms developed to predict the effect of missense changes on protein structure and function (SIFT, PolyPhen-2, Align-GVGD) all suggest that this variant is likely to be tolerated. This variant has not been reported in the literature in individuals affected with ENPP1-related conditions. This variant is present in population databases (rs780832885, gnomAD 0.006%). This sequence change replaces lysine, which is basic and polar, with arginine, which is basic and polar, at codon 240 of the ENPP1 protein (p.Lys240Arg).

NM_006208.3(ENPP1):c.719A>G (p.Lys240Arg)

Gene: ENPP1 (ectonucleotide pyrophosphatase/phosphodiesterase 1; plus strand). Cytogenetic location: 6q23.2.
Variant type: single nucleotide variant.
Coding change: c.719A>G on transcript NM_006208.3 (MANE Select); coding-DNA position 719, A replaced by G.
Protein change: p.Lys240Arg; replaces lysine 240 with arginine.
Molecular consequence: missense variant.
Genome position (GRCh38, 1-based): chr6:131,858,671, A>G. VCF-style: chr6-131858671-A-G. GRCh37 (hg19) VCF-style: chr6-132179811-A-G.
Other names: short protein forms K240R.
Identifiers: ClinVar variation 2098507 (VCV002098507.4), dbSNP rs780832885, ClinGen allele CA4001990.